The following is an entry in ClinVar:

NM_000388.4(CASR):c.1108G>C (p.Val370Leu)

Gene: CASR (calcium sensing receptor; plus strand). Cytogenetic location: 3q21.1.
Variant type: single nucleotide variant.
Coding change: c.1108G>C on transcript NM_000388.4 (MANE Select); coding-DNA position 1108, G replaced by C.
Protein change: p.Val370Leu; replaces valine 370 with leucine.
Molecular consequence: missense variant.
Genome position (GRCh38, 1-based): chr3:122,262,143, G>C. VCF-style: chr3-122262143-G-C. GRCh37 (hg19) VCF-style: chr3-121980990-G-C.
Other names: c.1108G>C, p.Val370Leu (NM_001178065.2); short protein forms V370L.
Identifiers: ClinVar variation 2952335 (VCV002952335.3), dbSNP rs2074634164, ClinGen allele CA354152605.

ClinVar aggregate classification (germline): Uncertain significance (1 of 4 stars; one submission).

Conditions:
Autosomal dominant hypocalcemia 1 (HYPOC1). Also called: HYPOCALCEMIA, FAMILIAL. Identifiers: MedGen C3715128, MONDO:0011013, OMIM 601198.
Familial hypocalciuric hypercalcemia (FHH). Also called: Familial benign hypercalcemia. Identifiers: Orphanet 405, MedGen C1809471, MONDO:0018458.

Allele frequency attached by ClinVar (database versions not stated): gnomAD exomes below 0.00001.
gnomAD v4.1: 1 of 1,614,172 alleles (0.000062%); highest among the groups gnomAD compares: Admixed American, 0.0017%; no homozygotes.

Submission:

Labcorp Genetics (formerly Invitae), Labcorp
Classification: Uncertain significance for Familial hypocalciuric hypercalcemia; Autosomal dominant hypocalcemia 1. Last evaluated: 2023-03-08. Review status: criteria provided, single submitter. Criteria: Invitae Variant Classification Sherloc (09022015). Collection method: clinical testing. Allele origin: germline.
Comment: This sequence change replaces valine, which is neutral and non-polar, with leucine, which is neutral and non-polar, at codon 370 of the CASR protein (p.Val370Leu). This variant is not present in population databases (gnomAD no frequency). This variant has not been reported in the literature in individuals affected with CASR-related conditions. Algorithms developed to predict the effect of missense changes on protein structure and function output the following: SIFT: "Not Available"; PolyPhen-2: "Benign"; Align-GVGD: "Not Available". The leucine amino acid residue is found in multiple mammalian species, which suggests that this missense change does not adversely affect protein function. In summary, the available evidence is currently insufficient to determine the role of this variant in disease. Therefore, it has been classified as a Variant of Uncertain Significance.